The following is an entry in ClinVar:

NM_007294.4(BRCA1):c.5278-1256A>G

Gene: BRCA1 (BRCA1 DNA repair associated; minus strand). Cytogenetic location: 17q21.31.
Variant type: single nucleotide variant.
Coding change: c.5278-1256A>G on transcript NM_007294.4 (MANE Select); 1256 bases into the intron before coding-DNA position 5278, A replaced by G.
Molecular consequence: intron variant.
Genome position (GRCh38, 1-based): chr17:43,052,373, T>C on the plus strand (A>G on the coding strand, the complement: BRCA1 is on the minus strand). VCF-style: chr17-43052373-T-C. GRCh37 (hg19) VCF-style: chr17-41204390-T-C.
Other names: IVS 20-1256A>G; c.1825-1256A>G (NM_001408465.1, NM_001408463.1, NM_001408462.1 and 7 more transcripts); c.1756-1256A>G (NM_001408482.1, NM_001408484.1, NM_001408485.1 and 5 more transcripts); c.5014-1256A>G (NM_001407920.1, NM_001407923.1, NM_001407922.1 and 4 more transcripts); c.5137-1256A>G (NM_001407696.1, NM_001407725.1, NM_001407727.1 and 13 more transcripts); c.5134-1256A>G (NM_001407751.1, NM_001407740.1, NM_001407739.1 and 21 more transcripts); c.4942-1256A>G (NM_001407954.1, NM_001407952.1, NM_001407950.1 and 3 more transcripts); c.1702-1256A>G (NM_001408504.1, NM_001408503.1, NM_001408502.1); and 75 more.
Identifiers: ClinVar variation 209267 (VCV000209267.2), dbSNP rs4793192, ClinGen allele CA276239.
Genomic context (GRCh38, chr17:43,052,373, plus strand): 5'-TTCTGTCACTCAGGCTGGAGTACAGTGGCACGATCATAGCTTGCTGCAGTATTGAACTTC[T>C]GGGCTCAAGCAATCCTCTTGCCTCAGCCTCCTAAGTAGCTGGGACTACAAGTGCACACCA-3'

ClinVar aggregate classification (germline): Benign (3 of 4 stars; one submission).

Conditions:
Breast-ovarian cancer, familial, susceptibility to, 1 (BROVCA1). Also called: BRCA1 Hereditary Breast and Ovarian Cancer; OVARIAN CANCER, SUSCEPTIBILITY TO. Identifiers: Orphanet 145, MedGen C2676676, MONDO:0011450, OMIM 604370. Disease mechanism: loss of function.

Allele frequency attached by ClinVar (database versions not stated): TOPMed 0.29163; gnomAD 0.30309 and 0.31030; 1000 Genomes Project 30x 0.33542; 1000 Genomes Project 0.34265.
gnomAD v4.1: 47,169 of 151,944 alleles (31%); highest among the groups gnomAD compares: South Asian, 49%; 7,700 homozygotes.

Submission:

Evidence-based Network for the Interpretation of Germline Mutant Alleles (ENIGMA)
Classification: Benign for Breast-ovarian cancer, familial 1. Last evaluated: 2015-01-12. Review status: reviewed by expert panel. Criteria: ENIGMA BRCA1/2 Classification Criteria (2015). Collection method: curation. Allele origin: germline.
Comment: Class 1 not pathogenic based on frequency >1% in an outbred sampleset. Frequency 0.3304 (Asian), 0.2134 (African), 0.3602 (European), derived from 1000 genomes (2012-04-30).